The following is an entry in ClinVar:

NM_207352.4(CYP4V2):c.1181C>T (p.Ser394Phe)

Gene: CYP4V2 (cytochrome P450 family 4 subfamily V member 2; plus strand). Cytogenetic location: 4q35.2.
Variant type: single nucleotide variant.
Coding change: c.1181C>T on transcript NM_207352.4 (MANE Select); coding-DNA position 1181, C replaced by T.
Protein change: p.Ser394Phe; replaces serine 394 with phenylalanine.
Molecular consequence: missense variant.
Genome position (GRCh38, 1-based): chr4:186,208,955, C>T. VCF-style: chr4-186208955-C-T. GRCh37 (hg19) VCF-style: chr4-187130109-C-T.
Other names: short protein forms S394F.
Identifiers: ClinVar variation 1353754 (VCV001353754.6), dbSNP rs762287609, ClinGen allele CA3162777.

ClinVar aggregate classification (germline): Uncertain significance (1 of 4 stars; one submission).

Allele frequency attached by ClinVar (database versions not stated): gnomAD exomes below 0.00001 and 0.00001; ExAC 0.00002.

Submission:

Labcorp Genetics (formerly Invitae), Labcorp
Classification: Uncertain significance. Last evaluated: 2022-01-06. Review status: criteria provided, single submitter. Criteria: Invitae Variant Classification Sherloc (09022015). Collection method: clinical testing. Allele origin: germline.
Comment: In summary, the available evidence is currently insufficient to determine the role of this variant in disease. Therefore, it has been classified as a Variant of Uncertain Significance. Advanced modeling of protein sequence and biophysical properties (such as structural, functional, and spatial information, amino acid conservation, physicochemical variation, residue mobility, and thermodynamic stability) performed at Invitae indicates that this missense variant is expected to disrupt CYP4V2 protein function. This missense change has been observed in individual(s) with retinitis pigmentosa (Invitae). This variant is present in population databases (rs762287609, gnomAD 0.002%). This sequence change replaces serine, which is neutral and polar, with phenylalanine, which is neutral and non-polar, at codon 394 of the CYP4V2 protein (p.Ser394Phe).